The following is an entry in ClinVar:

ClinVar aggregate classification (germline): Conflicting classifications of pathogenicity. Review status: criteria provided, conflicting classifications (1 of 4 stars). 5 submissions from 5 submitters: Uncertain significance (4); Likely benign (1). Last evaluated 2026-09-25.

Conditions:
Inborn genetic diseases. Identifiers: MedGen C0950123, MeSH D030342.
IFT140-related disorder. Also called: IFT140-related condition.
Retinitis pigmentosa 80 (RP80). Identifiers: MedGen C4540439, MONDO:0054708, OMIM 617781.
Saldino-Mainzer syndrome (SRTD9). Also called: short-rib thoracic dysplasia 9 with or without polydactyly; Renal dysplasia, retinal pigmentary dystrophy, cerebellar ataxia and skeletal dysplasia; CONORENAL SYNDROME; SHORT-RIB THORACIC DYSPLASIA 9 WITHOUT POLYDACTYLY. Identifiers: Orphanet 140969, MedGen C1849437, MONDO:0009964, OMIM 266920.

Allele frequency attached by ClinVar (database versions not stated): ExAC 0.00004; gnomAD exomes 0.00005; gnomAD 0.00023 and 0.00024; TOPMed 0.00031; ESP Exome Variant Server 0.00038.
gnomAD v4.1: 59 of 1,613,092 alleles (0.0037%); highest among the groups gnomAD compares: African/African-American, 0.075%; no homozygotes.

Submissions (5):

PreventionGenetics, part of Exact Sciences
Classification: Uncertain significance for IFT140-related condition. Last evaluated: 2026-09-25. Review status: criteria provided, single submitter. Criteria: ACMG Guidelines, 2015. Collection method: clinical testing. Allele origin: germline.
Comment: The IFT140 c.3173T>C variant is predicted to result in the amino acid substitution p.Leu1058Ser. To our knowledge, this variant has not been reported in the literature. This variant is reported in 0.068% of alleles in individuals of African descent in gnomAD. At this time, the clinical significance of this variant is uncertain due to the absence of conclusive functional and genetic evidence.

Labcorp Genetics (formerly Invitae), Labcorp
Classification: Likely benign for Saldino-Mainzer syndrome. Last evaluated: 2025-12-17. Review status: criteria provided, single submitter. Criteria: Invitae Variant Classification Sherloc (09022015). Collection method: clinical testing. Allele origin: germline.

Blueprint Genetics
Classification: Uncertain significance. Last evaluated: 2024-07-17. Review status: criteria provided, single submitter. Criteria: ACMG Guidelines, 2015. Collection method: clinical testing. Allele origin: germline.

Ambry Genetics
Classification: Uncertain significance for Inborn genetic diseases. Last evaluated: 2022-12-21. Review status: criteria provided, single submitter. Criteria: Ambry Variant Classification Scheme 2023. Collection method: clinical testing. Allele origin: germline.

Fulgent Genetics
Classification: Uncertain significance for Saldino-Mainzer syndrome; Retinitis pigmentosa 80. Last evaluated: 2022-01-27. Review status: criteria provided, single submitter. Criteria: ACMG Guidelines, 2015. Collection method: clinical testing. Allele origin: unknown.

NM_014714.4(IFT140):c.3173T>C (p.Leu1058Ser)

Gene: IFT140 (intraflagellar transport 140; minus strand). Cytogenetic location: 16p13.3.
Variant type: single nucleotide variant.
Coding change: c.3173T>C on transcript NM_014714.4 (MANE Select); coding-DNA position 3173, T replaced by C.
Protein change: p.Leu1058Ser; replaces leucine 1058 with serine.
Molecular consequence: missense variant.
Genome position (GRCh38, 1-based): chr16:1,523,925, A>G on the plus strand (T>C on the coding strand, the complement: IFT140 is on the minus strand). VCF-style: chr16-1523925-A-G. GRCh37 (hg19) VCF-style: chr16-1573926-A-G.
Other names: short protein forms L1058S.
Identifiers: ClinVar variation 849217 (VCV000849217.11), dbSNP rs141471091, ClinGen allele CA7813265.